The following is an entry in ClinVar:

NM_002336.3(LRP6):c.2975C>A (p.Ala992Glu)

Gene: LRP6 (LDL receptor related protein 6; minus strand). Cytogenetic location: 12p13.2.
Variant type: single nucleotide variant.
Coding change: c.2975C>A on transcript NM_002336.3 (MANE Select); coding-DNA position 2975, C replaced by A.
Protein change: p.Ala992Glu; replaces alanine 992 with glutamic acid.
Molecular consequence: missense variant.
Genome position (GRCh38, 1-based): chr12:12,150,855, G>T on the plus strand (C>A on the coding strand, the complement: LRP6 is on the minus strand). VCF-style: chr12-12150855-G-T. GRCh37 (hg19) VCF-style: chr12-12303789-G-T.
Other names: c.2975C>A, p.Ala992Glu (NM_001414244.1, NM_001414245.1, NM_001414246.1 and 4 more transcripts); c.2777C>A, p.Ala926Glu (NM_001414247.1); c.2522C>A, p.Ala841Glu (NM_001414252.1, NM_001414253.1, NM_001414254.1); c.2468C>A, p.Ala823Glu (NM_001414255.1); c.2975C>A (NM_002336.2); short protein forms A823E, A992E, A841E, A926E.
Identifiers: ClinVar variation 1896471 (VCV001896471.7), dbSNP rs777249980, ClinGen allele CA232989103.
Genomic context (GRCh38, chr12:12,150,855, plus strand): 5'-TTAGTCAGGAGAAATGAATTTTGAACCAAGCTCTCAATTACCTGGCTGCCATCTTCTTGT[G>T]CCTTTCGGATCATGTTTTGTCGTGAGTCAATCCAATAGAGTTGCTTGTCCAGTGGGTCAT-3'
Protein context (NP_002327.2, residues 982-1002): IDSRQNMIRK[Ala992Glu]QEDGSQGFTV

ClinVar aggregate classification (germline): Uncertain significance. Review status: criteria provided, multiple submitters, no conflicts (2 of 4 stars). 2 submissions from 2 submitters: Uncertain significance (2). Last evaluated 2026-08-12.

Conditions:
Inborn genetic diseases. Identifiers: MedGen C0950123, MeSH D030342.

Allele frequency attached by ClinVar (database versions not stated): TOPMed 0.00004; ExAC 0.00001; gnomAD 0.00005.
gnomAD v4.1: 17 of 1,613,720 alleles (0.0011%); highest among the groups gnomAD compares: Admixed American, 0.028%; no homozygotes.

Submissions (2):

Ambry Genetics
Classification: Uncertain significance for Inborn genetic diseases. Last evaluated: 2026-08-12. Review status: criteria provided, single submitter. Criteria: Ambry Variant Classification Scheme 2023. Collection method: clinical testing. Allele origin: germline.

Labcorp Genetics (formerly Invitae), Labcorp
Classification: Uncertain significance. Last evaluated: 2025-11-14. Review status: criteria provided, single submitter. Criteria: Invitae Variant Classification Sherloc (09022015). Collection method: clinical testing. Allele origin: germline.
Comment: This sequence change replaces alanine, which is neutral and non-polar, with glutamic acid, which is acidic and polar, at codon 992 of the LRP6 protein (p.Ala992Glu). This variant is present in population databases (rs777249980, gnomAD 0.02%). This variant has not been reported in the literature in individuals affected with LRP6-related conditions. ClinVar contains an entry for this variant (Variation ID: 1896471). Invitae Evidence Modeling of protein sequence and biophysical properties (such as structural, functional, and spatial information, amino acid conservation, physicochemical variation, residue mobility, and thermodynamic stability) indicates that this missense variant is not expected to disrupt LRP6 protein function with a negative predictive value of 80%. In summary, the available evidence is currently insufficient to determine the role of this variant in disease. Therefore, it has been classified as a Variant of Uncertain Significance.